The following is an entry in ClinVar:

ClinVar aggregate classification (germline): Uncertain significance (1 of 4 stars; one submission).

Conditions:
Primary ciliary dyskinesia. Also called: Ciliary dyskinesia. Identifiers: Orphanet 244, MedGen C0008780, MONDO:0016575, HP:0012265.

Submission:

Labcorp Genetics (formerly Invitae), Labcorp
Classification: Uncertain significance for Primary ciliary dyskinesia. Last evaluated: 2021-01-12. Review status: criteria provided, single submitter. Criteria: Invitae Variant Classification Sherloc (09022015). Collection method: clinical testing. Allele origin: germline.
Comment: In summary, the available evidence is currently insufficient to determine the role of this variant in disease. Therefore, it has been classified as a Variant of Uncertain Significance. Algorithms developed to predict the effect of missense changes on protein structure and function are either unavailable or do not agree on the potential impact of this missense change (SIFT: "Deleterious"; PolyPhen-2: "Probably Damaging"; Align-GVGD: "Class C0"). This variant has not been reported in the literature in individuals with DNAH5-related conditions. This variant is not present in population databases (ExAC no frequency). This sequence change replaces tryptophan with cysteine at codon 3613 of the DNAH5 protein (p.Trp3613Cys). The tryptophan residue is highly conserved and there is a large physicochemical difference between tryptophan and cysteine.

NM_001369.3(DNAH5):c.10839G>C (p.Trp3613Cys)

Gene: DNAH5 (dynein axonemal heavy chain 5; minus strand). Cytogenetic location: 5p15.2.
Variant type: single nucleotide variant.
Coding change: c.10839G>C on transcript NM_001369.3 (MANE Select); coding-DNA position 10839, G replaced by C.
Protein change: p.Trp3613Cys; replaces tryptophan 3613 with cysteine.
Molecular consequence: missense variant.
Genome position (GRCh38, 1-based): chr5:13,753,266, C>G on the plus strand (G>C on the coding strand, the complement: DNAH5 is on the minus strand). VCF-style: chr5-13753266-C-G. GRCh37 (hg19) VCF-style: chr5-13753375-C-G.
Other names: short protein forms W3613C.
Identifiers: ClinVar variation 958962 (VCV000958962.10), dbSNP rs1750508726, ClinGen allele CA359190907.